The following is an entry in ClinVar:

ClinVar aggregate classification (germline): Uncertain significance (1 of 4 stars; one submission).

Conditions:
Neuroblastoma, susceptibility to, 3. Also called: ALK-Related Neuroblastic Tumor Susceptibility. Identifiers: Orphanet 635, MedGen C2751681, MONDO:0013083, OMIM 613014.

Submission:

Labcorp Genetics (formerly Invitae), Labcorp
Classification: Uncertain significance for Neuroblastoma, susceptibility to, 3. Last evaluated: 2025-02-22. Review status: criteria provided, single submitter. Criteria: Invitae Variant Classification Sherloc (09022015). Collection method: clinical testing. Allele origin: germline.
Comment: This variant, c.709_711del, results in the deletion of 1 amino acid(s) of the ALK protein (p.Ser237del), but otherwise preserves the integrity of the reading frame. This variant is not present in population databases (gnomAD no frequency). This variant has not been reported in the literature in individuals affected with ALK-related conditions. ClinVar contains an entry for this variant (Variation ID: 663149). Experimental studies and prediction algorithms are not available or were not evaluated, and the functional significance of this variant is currently unknown. In summary, the available evidence is currently insufficient to determine the role of this variant in disease. Therefore, it has been classified as a Variant of Uncertain Significance.

NM_004304.5(ALK):c.709_711del (p.Ser237del)

Gene: ALK (ALK receptor tyrosine kinase; minus strand). Cytogenetic location: 2p23.2.
Variant type: Deletion.
Coding change: c.709_711del on transcript NM_004304.5 (MANE Select); coding-DNA positions 709 to 711, 3 bases deleted (TCT; older notation c.709_711delTCT).
Protein change: p.Ser237del; deletes serine 237.
Molecular consequence: inframe deletion.
Genome position (GRCh38, 1-based): chr2:29,717,654-29,717,656, AGA deleted on the plus strand (TCT on the coding strand, the reverse complement: ALK is on the minus strand); deleting any 3 consecutive bases within chr2:29,717,654-29,717,658 gives the same sequence; the c. name uses the placement nearest the transcript's 3' end. VCF-style (leftmost placement, unchanged base first): chr2-29717653-GAGA-G. GRCh37 (hg19) VCF-style: chr2-29940519-GAGA-G.
Other names: short protein forms S237del.
Identifiers: ClinVar variation 663149 (VCV000663149.8), dbSNP rs1573580166, ClinGen allele CA915943763.
Genomic context (GRCh38, chr2:29,717,653, plus strand): 5'-GAGACAGGAAAGGGAAGGAGTCTTTCATTATCCAGGTGAGATTCCATGTAAAATAATCAG[GAGA>G]AGGAGAAGGCATGTTTGTTGGTGATTCCAAGGAGCTATGACCTGGACATAAAAATAAAGA-3'